The following is an entry in ClinVar:

NM_001127178.3(PIGG):c.2205GGC[1] (p.Ala737del)

Gene: PIGG (phosphatidylinositol glycan anchor biosynthesis class G (EMM blood group); plus strand). Cytogenetic location: 4p16.3.
Variant type: Microsatellite.
Coding change: c.2205GGC[1] on transcript NM_001127178.3 (MANE Select); one copy of the 3-base unit GGC starting at c.2205; the reference has two copies in a row; one copy, 3 bases deleted.
Protein change: p.Ala737del; deletes alanine 737.
Molecular consequence: inframe deletion. On other transcripts: non-coding transcript variant (10).
Genome position (GRCh38, 1-based): chr4:527,177-527,179, GGC deleted; deleting any 3 consecutive bases within chr4:527,174-527,179 gives the same sequence; the position shown is the placement nearest the transcript's 3' end. VCF-style (leftmost placement, unchanged base first): chr4-527173-GGGC-G. GRCh37 (hg19) VCF-style: chr4-520962-GGGC-G.
Other names: c.1938GGC[1], p.Ala648del (NM_001289051.2, NM_001345986.2); c.1806GGC[1], p.Ala604del (NM_001289052.2); c.1914GGC[1], p.Ala640del (NM_001345987.2); c.1176GGC[1], p.Ala394del (NM_001345988.2); c.672GGC[1], p.Ala226del (NM_001345990.2, NM_001345991.2); c.1107GGC[1], p.Ala371del (NM_001345994.2); c.2181GGC[1], p.Ala729del (NM_017733.5); short protein forms A371del, A604del, A394del, A648del, A729del, A737del, A226del, A640del.
Identifiers: ClinVar variation 2024218 (VCV002024218.4), dbSNP rs2474991521, ClinGen allele CA2580616043.

ClinVar aggregate classification (germline): Uncertain significance (1 of 4 stars; one submission).

Conditions:
Intellectual disability, autosomal recessive 53 (NEDHSCA). Also called: NEURODEVELOPMENTAL DISORDER WITH OR WITHOUT HYPOTONIA, SEIZURES, AND CEREBELLAR ATROPHY; GLYCOSYLPHOSPHATIDYLINOSITOL BIOSYNTHESIS DEFECT 13; Mental retardation, autosomal recessive 53. Identifiers: Orphanet 488635, MedGen C4310794, MONDO:0014832, OMIM 616917.

Submission:

Labcorp Genetics (formerly Invitae), Labcorp
Classification: Uncertain significance for Intellectual disability, autosomal recessive 53. Last evaluated: 2022-08-15. Review status: criteria provided, single submitter. Criteria: Invitae Variant Classification Sherloc (09022015). Collection method: clinical testing. Allele origin: germline.
Comment: In summary, the available evidence is currently insufficient to determine the role of this variant in disease. Therefore, it has been classified as a Variant of Uncertain Significance. Experimental studies and prediction algorithms are not available or were not evaluated, and the functional significance of this variant is currently unknown. This variant has not been reported in the literature in individuals affected with PIGG-related conditions. This variant is not present in population databases (gnomAD no frequency). This variant, c.2208_2210del, results in the deletion of 1 amino acid(s) of the PIGG protein (p.Ala737del), but otherwise preserves the integrity of the reading frame.